The following is an entry in ClinVar:

ClinVar aggregate classification (germline): Pathogenic (1 of 4 stars; one submission).

Conditions:
Nephronophthisis. Also called: Juvenile Nephronophthisis. Identifiers: Orphanet 655, MedGen C0687120, MONDO:0019005, HP:0000090.

Submission:

Labcorp Genetics (formerly Invitae), Labcorp
Classification: Pathogenic for Nephronophthisis. Last evaluated: 2021-08-23. Review status: criteria provided, single submitter. Criteria: Invitae Variant Classification Sherloc (09022015). Collection method: clinical testing. Allele origin: germline.
Comment: This sequence change creates a premature translational stop signal (p.Lys604Argfs*24) in the INVS gene. It is expected to result in an absent or disrupted protein product. Loss-of-function variants in INVS are known to be pathogenic (PMID: 12872123). This variant is not present in population databases (ExAC no frequency). This variant has not been reported in the literature in individuals affected with INVS-related conditions. For these reasons, this variant has been classified as Pathogenic.

Literature cited by the submitters: PubMed 12872123.

NM_014425.5(INVS):c.1811_1812del (p.Lys604fs)

Gene: INVS (inversin; plus strand). Cytogenetic location: 9q31.1.
Variant type: Deletion.
Coding change: c.1811_1812del on transcript NM_014425.5 (MANE Select); coding-DNA positions 1811 to 1812, 2 bases deleted (AA; older notation c.1811_1812delAA).
Protein change: p.Lys604fs; shifts the reading frame from lysine 604.
Molecular consequence: frameshift variant. On other transcripts: non-coding transcript variant (1).
Genome position (GRCh38, 1-based): chr9:100,284,346-100,284,347, AA deleted; deleting any 2 consecutive bases within chr9:100,284,344-100,284,347 gives the same sequence; the c. name uses the placement nearest the transcript's 3' end. VCF-style (leftmost placement, unchanged base first): chr9-100284343-GAA-G. GRCh37 (hg19) VCF-style: chr9-103046625-GAA-G.
Other names: c.1523_1524del, p.Lys508fs (NM_001318381.2); c.833_834del, p.Lys278fs (NM_001318382.2); short protein forms K278fs, K604fs, K508fs.
Identifiers: ClinVar variation 1350711 (VCV001350711.6), dbSNP rs1588145141, ClinGen allele CA918519498.